The following is an entry in ClinVar:

ClinVar aggregate classification (germline): Uncertain significance (1 of 4 stars; one submission).

Conditions:
Aicardi-Goutieres syndrome 2. Identifiers: Orphanet 51, MedGen C3489724, MONDO:0012429, OMIM 610181.

Allele frequency attached by ClinVar (database versions not stated): gnomAD 0.00001; gnomAD exomes 0.00001.

Submission:

Labcorp Genetics (formerly Invitae), Labcorp
Classification: Uncertain significance for Aicardi-Goutieres syndrome 2. Last evaluated: 2024-05-14. Review status: criteria provided, single submitter. Criteria: Invitae Variant Classification Sherloc (09022015). Collection method: clinical testing. Allele origin: germline.
Comment: This sequence change replaces arginine, which is basic and polar, with cysteine, which is neutral and slightly polar, at codon 210 of the RNASEH2B protein (p.Arg210Cys). This variant is present in population databases (rs769632378, gnomAD 0.005%). This variant has not been reported in the literature in individuals affected with RNASEH2B-related conditions. ClinVar contains an entry for this variant (Variation ID: 1385588). Algorithms developed to predict the effect of missense changes on protein structure and function output the following: SIFT: "Not Available"; PolyPhen-2: "Benign"; Align-GVGD: "Not Available". The cysteine amino acid residue is found in multiple mammalian species, which suggests that this missense change does not adversely affect protein function. In summary, the available evidence is currently insufficient to determine the role of this variant in disease. Therefore, it has been classified as a Variant of Uncertain Significance.

NM_024570.4(RNASEH2B):c.628C>T (p.Arg210Cys)

Gene: RNASEH2B (ribonuclease H2 subunit B; plus strand). Cytogenetic location: 13q14.3.
Variant type: single nucleotide variant.
Coding change: c.628C>T on transcript NM_024570.4 (MANE Select); coding-DNA position 628, C replaced by T.
Protein change: p.Arg210Cys; replaces arginine 210 with cysteine.
Molecular consequence: missense variant.
Genome position (GRCh38, 1-based): chr13:50,947,998, C>T. VCF-style: chr13-50947998-C-T. GRCh37 (hg19) VCF-style: chr13-51522134-C-T.
Other names: c.628C>T, p.Arg210Cys (NM_001142279.2); short protein forms R210C.
Identifiers: ClinVar variation 1385588 (VCV001385588.4), dbSNP rs769632378, ClinGen allele CA249998459.